The following is an entry in ClinVar:

ClinVar aggregate classification (germline): Conflicting classifications of pathogenicity. Review status: criteria provided, conflicting classifications (1 of 4 stars). 3 submissions from 3 submitters: Likely pathogenic (1); Uncertain significance (2). Last evaluated 2022-07-25.

Conditions:
Inborn genetic diseases. Identifiers: MedGen C0950123, MeSH D030342.
Lathosterolosis. Also called: SC5D DEFICIENCY; STEROL C5-DESATURASE DEFICIENCY. Identifiers: Orphanet 46059, MedGen C1846421, MONDO:0011816, OMIM 607330.

Submissions (3):

Labcorp Genetics (formerly Invitae), Labcorp
Classification: Uncertain significance. Last evaluated: 2022-07-25. Review status: criteria provided, single submitter. Criteria: Invitae Variant Classification Sherloc (09022015). Collection method: clinical testing. Allele origin: germline.
Comment: This sequence change creates a premature translational stop signal (p.Leu90Tyrfs*17) in the SC5D gene. It is expected to result in an absent or disrupted protein product. However, the current clinical and genetic evidence is not sufficient to establish whether loss-of-function variants in SC5D cause disease. This variant is present in population databases (rs541905827, gnomAD 0.01%). This variant has not been reported in the literature in individuals affected with SC5D-related conditions. ClinVar contains an entry for this variant (Variation ID: 1679342). In summary, the available evidence is currently insufficient to determine the role of this variant in disease. Therefore, it has been classified as a Variant of Uncertain Significance.

Department of Clinical Genetics, Copenhagen University Hospital, Rigshospitalet
Classification: Likely pathogenic for Lathosterolosis. Last evaluated: 2021-08-01. Review status: criteria provided, single submitter. Criteria: ACMG Guidelines, 2015. Collection method: clinical testing. Allele origin: inherited. Affected: yes.

Ambry Genetics
Classification: Uncertain significance for Inborn genetic diseases. Last evaluated: 2021-05-10. Review status: criteria provided, single submitter. Criteria: Ambry Variant Classification Scheme 2023. Collection method: clinical testing. Allele origin: germline.
Comment: The c.268_269delCT (p.L90Yfs*17) alteration, located in exon 3 (coding exon 2) of the SC5D gene, consists of a deletion of 2 nucleotides from position 268 to 269, causing a translational frameshift with a predicted alternate stop codon after 17 amino acids. This alteration is expected to result in loss of function by premature protein truncation or nonsense-mediated mRNA decay. Based on insufficient or conflicting evidence, the clinical significance of this alteration remains unclear.

NM_006918.5(SC5D):c.268_269del (p.Leu90fs)

Gene: SC5D (sterol-C5-desaturase; plus strand). Cytogenetic location: 11q24.1.
Variant type: Deletion.
Coding change: c.268_269del on transcript NM_006918.5 (MANE Select); coding-DNA positions 268 to 269, 2 bases deleted (CT; older notation c.268_269delCT).
Protein change: p.Leu90fs; shifts the reading frame from leucine 90.
Molecular consequence: frameshift variant.
Genome position (GRCh38, 1-based): chr11:121,304,418-121,304,419, CT deleted; deleting any 2 consecutive bases within chr11:121,304,417-121,304,419 gives the same sequence; the c. name uses the placement nearest the transcript's 3' end. VCF-style (leftmost placement, unchanged base first): chr11-121304416-TTC-T. GRCh37 (hg19) VCF-style: chr11-121175125-TTC-T.
Other names: c.268_269del, p.Leu90fs (NM_001024956.3); c.268_269delCT (NM_006918.4); short protein forms L90fs.
Identifiers: ClinVar variation 1679342 (VCV001679342.6), dbSNP rs541905827, ClinGen allele CA6328082.